The following is an entry in ClinVar:

NM_001111125.3(IQSEC2):c.919A>C (p.Lys307Gln)

Gene: IQSEC2 (IQ motif and Sec7 domain ArfGEF 2; minus strand). Cytogenetic location: Xp11.22.
Variant type: single nucleotide variant.
Coding change: c.919A>C on transcript NM_001111125.3 (MANE Select); coding-DNA position 919, A replaced by C.
Protein change: p.Lys307Gln; replaces lysine 307 with glutamine.
Molecular consequence: missense variant.
Genome position (GRCh38, 1-based): chrX:53,255,880, T>G on the plus strand (A>C on the coding strand, the complement: IQSEC2 is on the minus strand). VCF-style: chrX-53255880-T-G. GRCh37 (hg19) VCF-style: chrX-53285062-T-G.
Other names: c.919A>C, p.Lys307Gln (NM_001410736.1); c.304A>C, p.Lys102Gln (NM_015075.2); short protein forms K102Q, K307Q.
Identifiers: ClinVar variation 3634908 (VCV003634908.2).

ClinVar aggregate classification (germline): Uncertain significance (1 of 4 stars; one submission).

Conditions:
Intellectual developmental disorder, X-linked 1. Also called: Atkin Flaitz Patil Smith syndrome; MENTAL RETARDATION, X-LINKED 18; MENTAL RETARDATION, X-LINKED 78; Intellectual disability, X-linked 1. Identifiers: Orphanet 777, MedGen C2931498, MONDO:0010656, OMIM 309530.

Submission:

Labcorp Genetics (formerly Invitae), Labcorp
Classification: Uncertain significance for Intellectual developmental disorder, X-linked 1. Last evaluated: 2024-06-05. Review status: criteria provided, single submitter. Criteria: Invitae Variant Classification Sherloc (09022015). Collection method: clinical testing. Allele origin: germline.
Comment: This sequence change replaces lysine, which is basic and polar, with glutamine, which is neutral and polar, at codon 307 of the IQSEC2 protein (p.Lys307Gln). This variant is not present in population databases (gnomAD no frequency). This variant has not been reported in the literature in individuals affected with IQSEC2-related conditions. Advanced modeling of protein sequence and biophysical properties (such as structural, functional, and spatial information, amino acid conservation, physicochemical variation, residue mobility, and thermodynamic stability) performed at Invitae indicates that this missense variant is not expected to disrupt IQSEC2 protein function with a negative predictive value of 95%. In summary, the available evidence is currently insufficient to determine the role of this variant in disease. Therefore, it has been classified as a Variant of Uncertain Significance.